The following is an entry in ClinVar:

NM_002769.5(PRSS1):c.389C>T (p.Thr130Ile)

Genes: TRB (T cell receptor beta locus; plus strand), PRSS1 (serine protease 1; plus strand). Cytogenetic location: 7q34.
Variant type: single nucleotide variant.
Coding change: c.389C>T on transcript NM_002769.5 (MANE Select); coding-DNA position 389, C replaced by T.
Protein change: p.Thr130Ile; replaces threonine 130 with isoleucine.
Molecular consequence: missense variant.
Genome position (GRCh38, 1-based): chr7:142,751,962, C>T. VCF-style: chr7-142751962-C-T. GRCh37 (hg19) VCF-style: chr7-142459813-C-T.
Other names: short protein forms T130I.
Identifiers: ClinVar variation 36704 (VCV000036704.16), dbSNP rs193922655, ClinGen allele CA260517.

ClinVar aggregate classification (germline): Conflicting classifications of pathogenicity. Review status: criteria provided, conflicting classifications (1 of 4 stars). 3 submissions from 3 submitters: Likely pathogenic (1); Uncertain significance (2). Last evaluated 2025-12-10.

Conditions:
Hereditary pancreatitis (PCTT). Also called: PRSS1-Related Hereditary Pancreatitis; Hereditary chronic pancreatitis. Identifiers: Orphanet 676, MedGen C0238339, MONDO:0008185, OMIM 167800.

Submissions (3):

Ambry Genetics
Classification: Uncertain significance for Hereditary pancreatitis. Last evaluated: 2025-12-10. Review status: criteria provided, single submitter. Criteria: Ambry Variant Classification Scheme 2023. Collection method: clinical testing. Allele origin: germline.
Comment: The p.T130I variant (also known as c.389C>T), located in coding exon 3 of the PRSS1 gene, results from a C to T substitution at nucleotide position 389. The threonine at codon 130 is replaced by isoleucine, an amino acid with similar properties. This amino acid position is poorly conserved in available vertebrate species. In addition, the in silico prediction for this alteration is inconclusive. Based on the available evidence, the clinical significance of this variant remains unclear.

Labcorp Genetics (formerly Invitae), Labcorp
Classification: Uncertain significance for Hereditary pancreatitis. Last evaluated: 2025-06-08. Review status: criteria provided, single submitter. Criteria: Invitae Variant Classification Sherloc (09022015). Collection method: clinical testing. Allele origin: germline.
Comment: This sequence change replaces threonine, which is neutral and polar, with isoleucine, which is neutral and non-polar, at codon 130 of the PRSS1 protein (p.Thr130Ile). This variant is not present in population databases (gnomAD no frequency). This variant has not been reported in the literature in individuals affected with PRSS1-related conditions. ClinVar contains an entry for this variant (Variation ID: 36704). Invitae Evidence Modeling of protein sequence and biophysical properties (such as structural, functional, and spatial information, amino acid conservation, physicochemical variation, residue mobility, and thermodynamic stability) indicates that this missense variant is not expected to disrupt PRSS1 protein function with a negative predictive value of 80%. In summary, the available evidence is currently insufficient to determine the role of this variant in disease. Therefore, it has been classified as a Variant of Uncertain Significance.

Women's Health and Genetics/Laboratory Corporation of America, LabCorp
Classification: Likely pathogenic for heritable chronic pancreatitis. Last evaluated: 2011-08-18. Review status: criteria provided, single submitter. Criteria: LabCorp Variant Classification Summary - May 2015. Collection method: curation, clinical testing. Allele origin: germline. Inheritance: autosomal unknown. Affected: yes.
ClinVar note: Converted during submission from likely pathogenic to Likely pathogenic.